The following is an entry in ClinVar:

NM_198253.3(TERT):c.658G>T (p.Gly220Cys)

Gene: TERT (telomerase reverse transcriptase; minus strand). Cytogenetic location: 5p15.33.
Variant type: single nucleotide variant.
Coding change: c.658G>T on transcript NM_198253.3 (MANE Select); coding-DNA position 658, G replaced by T.
Protein change: p.Gly220Cys; replaces glycine 220 with cysteine.
Molecular consequence: missense variant. On other transcripts: non-coding transcript variant (2).
Genome position (GRCh38, 1-based): chr5:1,294,228, C>A on the plus strand (G>T on the coding strand, the complement: TERT is on the minus strand). VCF-style: chr5-1294228-C-A. GRCh37 (hg19) VCF-style: chr5-1294343-C-A.
Other names: c.658G>T, p.Gly220Cys (NM_001193376.3); short protein forms G220C.
Identifiers: ClinVar variation 3455140 (VCV003455140.1).

ClinVar aggregate classification (germline): Uncertain significance (1 of 4 stars; one submission).

Conditions:
Dyskeratosis congenita. Identifiers: Orphanet 1775, MedGen C0265965, MONDO:0015780.

gnomAD v4.1: 1 of 1,586,432 alleles (0.000063%); highest among the groups gnomAD compares: Non-Finnish European, 0.000085%; no homozygotes.

Submission:

Ambry Genetics
Classification: Uncertain significance for Dyskeratosis congenita. Last evaluated: 2024-11-22. Review status: criteria provided, single submitter. Criteria: Ambry Variant Classification Scheme 2023. Collection method: clinical testing. Allele origin: germline.
Comment: The p.G220C variant (also known as c.658G>T), located in coding exon 2 of the TERT gene, results from a G to T substitution at nucleotide position 658. The glycine at codon 220 is replaced by cysteine, an amino acid with highly dissimilar properties. This amino acid position is conserved. In addition, the in silico prediction for this alteration is inconclusive. Based on the available evidence, the clinical significance of this variant remains unclear.